The following is an entry in ClinVar:

NM_000353.3(TAT):c.944G>A (p.Arg315His)

Genes: TAT (tyrosine aminotransferase; minus strand), TAT-AS1 (TAT antisense RNA 1; plus strand). Cytogenetic location: 16q22.2.
Variant type: single nucleotide variant.
Coding change: c.944G>A on transcript NM_000353.3 (MANE Select); coding-DNA position 944, G replaced by A.
Protein change: p.Arg315His; replaces arginine 315 with histidine.
Molecular consequence: missense variant.
Genome position (GRCh38, 1-based): chr16:71,570,366, C>T on the plus strand (G>A on the coding strand, the complement: TAT is on the minus strand). VCF-style: chr16-71570366-C-T. GRCh37 (hg19) VCF-style: chr16-71604269-C-T.
Other names: c.944G>A (NM_000353.2); short protein forms R315H.
Identifiers: ClinVar variation 2151808 (VCV002151808.3), dbSNP rs775311489, ClinGen allele CA8153843.

ClinVar aggregate classification (germline): Uncertain significance. Review status: criteria provided, multiple submitters, no conflicts (2 of 4 stars). 2 submissions from 2 submitters: Uncertain significance (2). Last evaluated 2023-03-14.

Conditions:
Tyrosinemia type II (TYRSN2). Also called: KERATOSIS PALMOPLANTARIS WITH CORNEAL DYSTROPHY; OREGON TYPE TYROSINEMIA; TAT DEFICIENCY; TYROSINE AMINOTRANSFERASE DEFICIENCY; TYROSINE TRANSAMINASE DEFICIENCY. Identifiers: Orphanet 28378, MedGen C0268487, MONDO:0010160, OMIM 276600.
Inborn genetic diseases. Identifiers: MedGen C0950123, MeSH D030342.

Allele frequency attached by ClinVar (database versions not stated): gnomAD 0.00001; gnomAD exomes 0.00001; ExAC 0.00002; TOPMed 0.00004.

Submissions (2):

Ambry Genetics
Classification: Uncertain significance for Inborn genetic diseases. Last evaluated: 2023-03-14. Review status: criteria provided, single submitter. Criteria: Ambry Variant Classification Scheme 2023. Collection method: clinical testing. Allele origin: germline.

Labcorp Genetics (formerly Invitae), Labcorp
Classification: Uncertain significance for Tyrosinemia type II. Last evaluated: 2022-07-12. Review status: criteria provided, single submitter. Criteria: Invitae Variant Classification Sherloc (09022015). Collection method: clinical testing. Allele origin: germline.
Comment: This sequence change replaces arginine, which is basic and polar, with histidine, which is basic and polar, at codon 315 of the TAT protein (p.Arg315His). This variant is present in population databases (rs775311489, gnomAD 0.006%). This variant has not been reported in the literature in individuals affected with TAT-related conditions. Algorithms developed to predict the effect of missense changes on protein structure and function are either unavailable or do not agree on the potential impact of this missense change (SIFT: "Deleterious"; PolyPhen-2: "Benign"; Align-GVGD: "Class C0"). In summary, the available evidence is currently insufficient to determine the role of this variant in disease. Therefore, it has been classified as a Variant of Uncertain Significance.